The following is an entry in ClinVar:

ClinVar aggregate classification (germline): Likely benign. Review status: criteria provided, multiple submitters, no conflicts (2 of 4 stars). 2 submissions from 2 submitters: Likely benign (2). Last evaluated 2024-03-26.

Conditions:
Cardiomyopathy (CMYO). Also called: Cardiomyopathies. Identifiers: Orphanet 167848, MedGen C0878544, MONDO:0004994, HP:0001638. Inheritance: Various modes of inheritance.
Hypertrophic cardiomyopathy. Also called: HYPERTROPHIC MYOCARDIOPATHY. Identifiers: Orphanet 217569, MedGen C0007194, MeSH D002312, MONDO:0005045, HP:0001639.

Submissions (2):

Labcorp Genetics (formerly Invitae), Labcorp
Classification: Likely benign for Hypertrophic cardiomyopathy. Last evaluated: 2024-03-26. Review status: criteria provided, single submitter. Criteria: Invitae Variant Classification Sherloc (09022015). Collection method: clinical testing. Allele origin: germline.

All of Us Research Program, National Institutes of Health
Classification: Likely benign for Cardiomyopathy. Last evaluated: 2024-03-24. Review status: criteria provided, single submitter. Criteria: ACMG Guidelines, 2015. Collection method: clinical testing. Allele origin: germline. Inheritance: Autosomal dominant inheritance. Observed: 1 variant allele, 1 heterozygote.
Comment: This study involves interpretation of variants in research participants for the purpose of population health screening. Participant phenotype was not available at the time of variant classification. Additional details can be found in publication PMID: 35346344, PMCID: PMC8962531

NM_000257.4(MYH7):c.797-9T>G

Gene: MYH7 (myosin heavy chain 7; minus strand). Cytogenetic location: 14q11.2.
Variant type: single nucleotide variant.
Coding change: c.797-9T>G on transcript NM_000257.4 (MANE Select); 9 bases into the intron before coding-DNA position 797, T replaced by G.
Molecular consequence: intron variant.
Genome position (GRCh38, 1-based): chr14:23,431,008, A>C on the plus strand (T>G on the coding strand, the complement: MYH7 is on the minus strand). VCF-style: chr14-23431008-A-C. GRCh37 (hg19) VCF-style: chr14-23900217-A-C.
Other names: c.797-9T>G (NM_001407004.1).
Identifiers: ClinVar variation 3387355 (VCV003387355.3).